The following is an entry in ClinVar:

NM_002272.4(KRT4):c.835-4G>T

Gene: KRT4 (keratin 4; minus strand). Cytogenetic location: 12q13.13.
Variant type: single nucleotide variant.
Coding change: c.835-4G>T on transcript NM_002272.4 (MANE Select); 4 bases into the intron before coding-DNA position 835, G replaced by T.
Molecular consequence: intron variant.
Genome position (GRCh38, 1-based): chr12:52,808,854, C>A on the plus strand (G>T on the coding strand, the complement: KRT4 is on the minus strand). VCF-style: chr12-52808854-C-A. GRCh37 (hg19) VCF-style: chr12-53202638-C-A.
Identifiers: ClinVar variation 309681 (VCV000309681.5), dbSNP rs767441876, ClinGen allele CA6588576.
Genomic context (GRCh38, chr12:52,808,854, plus strand): 5'-GTCCATGGAAAGGACCACGGACGTGTCGCTGACATGGGTCTGCATCTGGGACAGCTCCTG[C>A]AGGGCAAATGTCTCACATCAGCCCCCCCAGGAAAGCCTTCACTGACCTGATACAGGCTCA-3'

ClinVar aggregate classification (germline): Benign (1 of 4 stars; one submission).

Conditions:
White sponge nevus 1. Also called: LEUKOKERATOSIS, HEREDITARY MUCOSAL. Identifiers: MedGen C4011926, MONDO:0008676, OMIM 193900.

Allele frequency attached by ClinVar (database versions not stated): gnomAD exomes 0.00001; TOPMed 0.00001; ExAC 0.00002; gnomAD 0.00003.
gnomAD v4.1: 5 of 1,614,096 alleles (0.00031%); highest among the groups gnomAD compares: Admixed American, 0.0067%; no homozygotes.

Submission:

Illumina Laboratory Services, Illumina
Classification: Benign for White sponge nevus 1. Last evaluated: 2018-01-13. Review status: criteria provided, single submitter. Criteria: ICSL Variant Classification Criteria 13 December 2019. Collection method: clinical testing. Allele origin: germline.
Comment: This variant was observed in the ICSL laboratory as part of a predisposition screen in an ostensibly healthy population. It had not been previously curated by ICSL or reported in the Human Gene Mutation Database (HGMD: prior to June 1st, 2018), and was therefore a candidate for classification through an automated scoring system. Utilizing variant allele frequency, disease prevalence and penetrance estimates, and inheritance mode, an automated score was calculated to assess if this variant is too frequent to cause the disease. Based on the score and internal cut-off values, a variant classified as benign is not then subjected to further curation. The score for this variant resulted in a classification of benign for this disease.